The following is an entry in ClinVar:

NM_033084.6(FANCD2):c.3107_3108del

Genes: FANCD2 (FA complementation group D2; plus strand), FANCD2OS (FANCD2 opposite strand; minus strand). Cytogenetic location: 3p25.3.
Variant type: Microsatellite.
Coding change: c.3107_3108del on transcript NM_033084.6; coding-DNA positions 3107 to 3108, 2 bases deleted (GT; older notation c.3107_3108delGT).
Molecular consequence: splice acceptor variant. On other transcripts: 3 prime UTR variant (1).
Genome position (GRCh38, 1-based): chr3:10,081,347-10,081,348, GT deleted; deleting any 2 consecutive bases within chr3:10,081,345-10,081,348 gives the same sequence; the c. name uses the placement nearest the transcript's 3' end. VCF-style (leftmost placement, unchanged base first): chr3-10081344-AGT-A. GRCh37 (hg19) VCF-style: chr3-10123028-AGT-A.
Other names: c.*227AC[1] (NM_173472.2).
Identifiers: ClinVar variation 2675493 (VCV002675493.2), dbSNP rs2125059924, ClinGen allele CA2573055439.
Genomic context (GRCh38, chr3:10,081,344, plus strand): 5'-GAGAAAAAGGAAAATGAGGACAATTACTGAAGCAACTGTCCTAAAATCATTTTTATTTTT[AGT>A]GTTTAGCTGCTGAGAATCACGGTGTAGTTGATGGACCAGGAGTGAAAGTTCAGGAGTACC-3'

ClinVar aggregate classification (germline): Pathogenic/Likely pathogenic. Review status: criteria provided, multiple submitters, no conflicts (2 of 4 stars). 2 submissions from 2 submitters: Pathogenic (1); Likely pathogenic (1). Last evaluated 2026-01-20.

Conditions:
Fanconi anemia complementation group D2. Also called: FANCD2-Related Fanconi Anemia; FANCONI PANCYTOPENIA, TYPE 4; FANCONI ANEMIA, COMPLEMENTATION GROUP D. Identifiers: Orphanet 84, MedGen C3160738, MONDO:0009214, OMIM 227646.
Fanconi anemia (FA). Also called: Fanconi's anemia. Identifiers: Orphanet 84, MedGen C0015625, MeSH D005199, MONDO:0019391.

Submissions (2):

Labcorp Genetics (formerly Invitae), Labcorp
Classification: Pathogenic for Fanconi anemia. Last evaluated: 2026-01-20. Review status: criteria provided, single submitter. Criteria: Invitae Variant Classification Sherloc (09022015). Collection method: clinical testing. Allele origin: germline.
Comment: This sequence change creates a premature translational stop signal (p.Cys1036Phefs*4) in the FANCD2 gene. It is expected to result in an absent or disrupted protein product. Loss-of-function variants in FANCD2 are known to be pathogenic (PMID: 17436244). This variant is not present in population databases (gnomAD no frequency). This variant has not been reported in the literature in individuals affected with FANCD2-related conditions. Algorithms developed to predict the effect of sequence changes on RNA splicing suggest that this variant may disrupt the consensus splice site. For these reasons, this variant has been classified as Pathogenic.

Baylor Genetics
Classification: Likely pathogenic for Fanconi anemia complementation group D2. Last evaluated: 2024-03-03. Review status: criteria provided, single submitter. Criteria: ACMG Guidelines, 2015. Collection method: clinical testing. Allele origin: unknown.

Literature cited by the submitters: PubMed 17436244 (cited by Labcorp Genetics (formerly Invitae), Labcorp).